The following is an entry in ClinVar:

NM_001655.5(ARCN1):c.1127T>G (p.Leu376Arg)

Gene: ARCN1 (archain 1; plus strand). Cytogenetic location: 11q23.3.
Variant type: single nucleotide variant.
Coding change: c.1127T>G on transcript NM_001655.5 (MANE Select); coding-DNA position 1127, T replaced by G.
Protein change: p.Leu376Arg; replaces leucine 376 with arginine.
Molecular consequence: missense variant. On other transcripts: non-coding transcript variant (1).
Genome position (GRCh38, 1-based): chr11:118,592,851, T>G. VCF-style: chr11-118592851-T-G. GRCh37 (hg19) VCF-style: chr11-118463566-T-G.
Other names: c.863T>G, p.Leu288Arg (NM_001142281.2, NM_001425081.1); c.1127T>G, p.Leu376Arg (NM_001425073.1, NM_001425078.1); c.1124T>G, p.Leu375Arg (NM_001425074.1, NM_001425079.1); c.1070T>G, p.Leu357Arg (NM_001425075.1); c.1058T>G, p.Leu353Arg (NM_001425076.1); c.962T>G, p.Leu321Arg (NM_001425077.1); c.683T>G, p.Leu228Arg (NM_001425080.1); short protein forms L228R, L288R, L321R, L353R, L357R, L375R, L376R.
Identifiers: ClinVar variation 3371707 (VCV003371707.1).

ClinVar aggregate classification (germline): Uncertain significance (1 of 4 stars; one submission).

Submission:

GeneDx
Classification: Uncertain significance. Last evaluated: 2024-04-09. Review status: criteria provided, single submitter. Criteria: GeneDx Variant Classification Process June 2021. Collection method: clinical testing. Allele origin: germline. Affected: yes.
Comment: Not observed at significant frequency in large population cohorts (gnomAD); In silico analysis supports that this missense variant has a deleterious effect on protein structure/function; Has not been previously published as pathogenic or benign to our knowledge